The following is an entry in ClinVar:

ClinVar aggregate classification (germline): Uncertain significance (1 of 4 stars; one submission).

Conditions:
Inborn genetic diseases. Identifiers: MedGen C0950123, MeSH D030342.

Submission:

Ambry Genetics
Classification: Uncertain significance for Inborn genetic diseases. Last evaluated: 2023-09-11. Review status: criteria provided, single submitter. Criteria: Ambry Variant Classification Scheme 2023. Collection method: clinical testing. Allele origin: germline.
Comment: The c.6844C>G (p.L2282V) alteration is located in coding exon 39 of the WDFY3 gene. This alteration results from a C to G substitution at nucleotide position 6844, causing the leucine (L) at amino acid position 2282 to be replaced by a valine (V). This variant was not reported in population-based cohorts in the Genome Aggregation Database (gnomAD). This amino acid position is highly conserved in available vertebrate species. This alteration is predicted to be tolerated by in silico analysis. Based on insufficient or conflicting evidence, the clinical significance of this alteration remains unclear.

NM_014991.6(WDFY3):c.6844C>G (p.Leu2282Val)

Gene: WDFY3 (WD repeat and FYVE domain containing 3; minus strand). Cytogenetic location: 4q21.23.
Variant type: single nucleotide variant.
Coding change: c.6844C>G on transcript NM_014991.6 (MANE Select); coding-DNA position 6844, C replaced by G.
Protein change: p.Leu2282Val; replaces leucine 2282 with valine.
Molecular consequence: missense variant.
Genome position (GRCh38, 1-based): chr4:84,736,241, G>C on the plus strand (C>G on the coding strand, the complement: WDFY3 is on the minus strand). VCF-style: chr4-84736241-G-C. GRCh37 (hg19) VCF-style: chr4-85657394-G-C.
Other names: short protein forms L2282V.
Identifiers: ClinVar variation 2620337 (VCV002620337.2), dbSNP rs2531972402, ClinGen allele CA357551492.